The following is an entry in ClinVar:

NM_006015.6(ARID1A):c.1337C>G (p.Ser446Cys)

Gene: ARID1A (AT-rich interaction domain 1A; plus strand). Cytogenetic location: 1p36.11.
Variant type: single nucleotide variant.
Coding change: c.1337C>G on transcript NM_006015.6 (MANE Select); coding-DNA position 1337, C replaced by G.
Protein change: p.Ser446Cys; replaces serine 446 with cysteine.
Molecular consequence: missense variant.
Genome position (GRCh38, 1-based): chr1:26,729,850, C>G. VCF-style: chr1-26729850-C-G. GRCh37 (hg19) VCF-style: chr1-27056341-C-G.
Other names: c.1337C>G, p.Ser446Cys (NM_139135.4); short protein forms S446C.
Identifiers: ClinVar variation 2856406 (VCV002856406.3), dbSNP rs2525717196, ClinGen allele CA339267825.

ClinVar aggregate classification (germline): Uncertain significance (1 of 4 stars; one submission).

Allele frequency attached by ClinVar (database versions not stated): gnomAD exomes below 0.00001.
gnomAD v4.1: 5 of 1,613,976 alleles (0.00031%); highest among the groups gnomAD compares: Non-Finnish European, 0.00042%; no homozygotes.

Submission:

Labcorp Genetics (formerly Invitae), Labcorp
Classification: Uncertain significance. Last evaluated: 2024-10-28. Review status: criteria provided, single submitter. Criteria: Invitae Variant Classification Sherloc (09022015). Collection method: clinical testing. Allele origin: germline.
Comment: This sequence change replaces serine, which is neutral and polar, with cysteine, which is neutral and slightly polar, at codon 446 of the ARID1A protein (p.Ser446Cys). This variant is not present in population databases (gnomAD no frequency). This variant has not been reported in the literature in individuals affected with ARID1A-related conditions. Invitae Evidence Modeling of protein sequence and biophysical properties (such as structural, functional, and spatial information, amino acid conservation, physicochemical variation, residue mobility, and thermodynamic stability) indicates that this missense variant is not expected to disrupt ARID1A protein function with a negative predictive value of 95%. In summary, the available evidence is currently insufficient to determine the role of this variant in disease. Therefore, it has been classified as a Variant of Uncertain Significance.